The following is an entry in ClinVar:

NM_001080414.4(CCDC88C):c.3967-2A>G

Gene: CCDC88C (coiled-coil and HOOK domain protein 88C; minus strand). Cytogenetic location: 14q32.11.
Variant type: single nucleotide variant.
Coding change: c.3967-2A>G on transcript NM_001080414.4 (MANE Select); the canonical splice acceptor site of the intron before coding-DNA position 3967, A replaced by G.
Molecular consequence: splice acceptor variant.
Genome position (GRCh38, 1-based): chr14:91,294,320, T>C on the plus strand (A>G on the coding strand, the complement: CCDC88C is on the minus strand). VCF-style: chr14-91294320-T-C. GRCh37 (hg19) VCF-style: chr14-91760664-T-C.
Identifiers: ClinVar variation 4774138 (VCV004774138.1).

ClinVar aggregate classification (germline): Likely pathogenic (1 of 4 stars; one submission).

gnomAD v4.1: 1 of 1,613,800 alleles (0.000062%); no homozygotes.

Submission:

Labcorp Genetics (formerly Invitae), Labcorp
Classification: Likely pathogenic. Last evaluated: 2026-01-14. Review status: criteria provided, single submitter. Criteria: Invitae Variant Classification Sherloc (09022015). Collection method: clinical testing. Allele origin: germline.
Comment: This sequence change affects an acceptor splice site in intron 22 of the CCDC88C gene. It is expected to disrupt RNA splicing. Variants that disrupt the donor or acceptor splice site typically lead to a loss of protein function (PMID: 16199547), and loss-of-function variants in CCDC88C are known to be pathogenic (PMID: 23042809, 29225145). This variant is not present in population databases (gnomAD no frequency). This variant has not been reported in the literature in individuals affected with CCDC88C-related conditions. Algorithms developed to predict the effect of sequence changes on RNA splicing suggest that this variant may disrupt the consensus splice site. In summary, the currently available evidence indicates that the variant is pathogenic, but additional data are needed to prove that conclusively. Therefore, this variant has been classified as Likely Pathogenic.

Literature cited by the submitters: PubMed 16199547; PubMed 23042809; PubMed 29225145.